The following is an entry in ClinVar:

ClinVar aggregate classification (germline): Uncertain significance. Review status: criteria provided, multiple submitters, no conflicts (2 of 4 stars). 2 submissions from 2 submitters: Uncertain significance (2). Last evaluated 2025-09-26.

Conditions:
Inborn genetic diseases. Identifiers: MedGen C0950123, MeSH D030342.

Allele frequency attached by ClinVar (database versions not stated): gnomAD exomes below 0.00001; ExAC 0.00001; gnomAD 0.00002.
gnomAD v4.1: 2 of 1,299,466 alleles (0.00015%); highest among the groups gnomAD compares: African/African-American, 0.0024%; no homozygotes.

Submissions (2):

Ambry Genetics
Classification: Uncertain significance for Inborn genetic diseases. Last evaluated: 2025-09-26. Review status: criteria provided, single submitter. Criteria: Ambry Variant Classification Scheme 2023. Collection method: clinical testing. Allele origin: germline.

Labcorp Genetics (formerly Invitae), Labcorp
Classification: Uncertain significance. Last evaluated: 2022-06-19. Review status: criteria provided, single submitter. Criteria: Invitae Variant Classification Sherloc (09022015). Collection method: clinical testing. Allele origin: germline.
Comment: In summary, the available evidence is currently insufficient to determine the role of this variant in disease. Therefore, it has been classified as a Variant of Uncertain Significance. Algorithms developed to predict the effect of missense changes on protein structure and function (SIFT, PolyPhen-2, Align-GVGD) all suggest that this variant is likely to be tolerated. This variant has not been reported in the literature in individuals affected with KMT2E-related conditions. The frequency data for this variant in the population databases is considered unreliable, as metrics indicate poor data quality at this position in the gnomAD database. This sequence change replaces histidine, which is basic and polar, with arginine, which is basic and polar, at codon 1690 of the KMT2E protein (p.His1690Arg).

NM_182931.3(KMT2E):c.5069A>G (p.His1690Arg)

Gene: KMT2E (lysine methyltransferase 2E (inactive); plus strand). Cytogenetic location: 7q22.3.
Variant type: single nucleotide variant.
Coding change: c.5069A>G on transcript NM_182931.3 (MANE Select); coding-DNA position 5069, A replaced by G.
Protein change: p.His1690Arg; replaces histidine 1690 with arginine.
Molecular consequence: missense variant.
Genome position (GRCh38, 1-based): chr7:105,112,825, A>G. VCF-style: chr7-105112825-A-G. GRCh37 (hg19) VCF-style: chr7-104753272-A-G.
Other names: c.4943A>G, p.His1648Arg (NM_001410908.1); c.5069A>G, p.His1690Arg (NM_018682.4); c.5069A>G (NM_182931.2); short protein forms H1648R, H1690R.
Identifiers: ClinVar variation 1976837 (VCV001976837.6), dbSNP rs764734350, ClinGen allele CA4424905.